The following is an entry in ClinVar:

ClinVar aggregate classification (germline): Uncertain significance (1 of 4 stars; one submission).

Conditions:
Neuropathy, hereditary sensory and autonomic, type 2A (HSAN2A). Also called: ACROOSTEOLYSIS, GIACCAI TYPE; ACROOSTEOLYSIS, NEUROGENIC; MORVAN DISEASE; NEUROPATHY, CONGENITAL SENSORY; NEUROPATHY, HEREDITARY SENSORY RADICULAR, AUTOSOMAL RECESSIVE; NEUROPATHY, HEREDITARY SENSORY, TYPE IIA. Identifiers: Orphanet 970, MedGen C2752089, MONDO:0024309, OMIM 201300.
Generalized epilepsy with febrile seizures plus, type 7 (GEFSP7). Also called: GEFS+, TYPE 7. Identifiers: Orphanet 36387, MedGen C2751778, MONDO:0013470, OMIM 613863.

Submission:

Labcorp Genetics (formerly Invitae), Labcorp
Classification: Uncertain significance for Neuropathy, hereditary sensory and autonomic, type 2A; Generalized epilepsy with febrile seizures plus, type 7. Last evaluated: 2025-04-19. Review status: criteria provided, single submitter. Criteria: Invitae Variant Classification Sherloc (09022015). Collection method: clinical testing. Allele origin: germline.
Comment: This sequence change replaces aspartic acid, which is acidic and polar, with glycine, which is neutral and non-polar, at codon 1018 of the SCN9A protein (p.Asp1018Gly). This variant is not present in population databases (gnomAD no frequency). This variant has not been reported in the literature in individuals affected with SCN9A-related conditions. Invitae Evidence Modeling of protein sequence and biophysical properties (such as structural, functional, and spatial information, amino acid conservation, physicochemical variation, residue mobility, and thermodynamic stability) indicates that this missense variant is not expected to disrupt SCN9A protein function with a negative predictive value of 95%. In summary, the available evidence is currently insufficient to determine the role of this variant in disease. Therefore, it has been classified as a Variant of Uncertain Significance.

NM_001365536.1(SCN9A):c.3086A>G (p.Asp1029Gly)

Genes: SCN9A (sodium voltage-gated channel alpha subunit 9; minus strand), SCN1A-AS1 (SCN1A and SCN9A antisense RNA 1; plus strand). Cytogenetic location: 2q24.3.
Variant type: single nucleotide variant.
Coding change: c.3086A>G on transcript NM_001365536.1 (MANE Select); coding-DNA position 3086, A replaced by G.
Protein change: p.Asp1029Gly; replaces aspartic acid 1029 with glycine.
Molecular consequence: missense variant.
Genome position (GRCh38, 1-based): chr2:166,272,664, T>C on the plus strand (A>G on the coding strand, the complement: SCN9A is on the minus strand). VCF-style: chr2-166272664-T-C. GRCh37 (hg19) VCF-style: chr2-167129174-T-C.
Other names: c.3053A>G, p.Asp1018Gly (NM_002977.4); short protein forms D1018G, D1029G.
Identifiers: ClinVar variation 4791445 (VCV004791445.1).